The following is an entry in ClinVar:

ClinVar aggregate classification (germline): Conflicting classifications of pathogenicity. Review status: criteria provided, conflicting classifications (1 of 4 stars). 11 submissions from 11 submitters: Uncertain significance (10); Likely benign (1). Last evaluated 2026-01-03.

Conditions:
BRIP1-related disorder. Also called: BRIP1-related condition; BRIP1-related disorders. Identifiers: MedGen CN239206.
Hereditary cancer-predisposing syndrome. Also called: Tumor predisposition; Neoplastic Syndromes, Hereditary; Hereditary neoplastic syndrome; Hereditary Cancer Syndrome. Identifiers: Orphanet 140162, MedGen C0027672, MeSH D009386, MONDO:0015356.
Fanconi anemia complementation group J. Also called: BRIP1-Related Fanconi Anemia. Identifiers: Orphanet 84, MedGen C1836860, MONDO:0012187, OMIM 609054.
Familial cancer of breast. Also called: BREAST CANCER, FAMILIAL; Hereditary breast cancer; hereditary breast carcinoma. Identifiers: Orphanet 227535, MedGen C0346153, MONDO:0016419, OMIM 114480. Disease mechanism: loss of function.

Allele frequency attached by ClinVar (database versions not stated): gnomAD exomes below 0.00001 and 0.00001; TOPMed below 0.00001; ExAC 0.00001; gnomAD 0.00001.
gnomAD v4.1: 11 of 1,614,148 alleles (0.00068%); highest among the groups gnomAD compares: Middle Eastern, 0.017%; no homozygotes.

Submissions (11):

PreventionGenetics, part of Exact Sciences
Classification: Uncertain significance for BRIP1-related condition. Last evaluated: 2026-01-03. Review status: criteria provided, single submitter. Criteria: ACMG Guidelines, 2015. Collection method: clinical testing. Allele origin: germline.
Comment: The BRIP1 c.326A>G variant is predicted to result in the amino acid substitution p.Asn109Ser. This variant has been reported in an individual with breast cancer (Table S1, Tung et al. 2014. PubMed ID: 25186627). This variant is reported in 0.0015% of alleles in individuals of European (Non-Finnish) descent in gnomAD and has interpretations ranging from likely benign to uncertain significance in ClinVar (Variation ID: 142809). At this time, the clinical significance of this variant is uncertain due to the absence of conclusive functional and genetic evidence.

Labcorp Genetics (formerly Invitae), Labcorp
Classification: Uncertain significance for Familial cancer of breast; Fanconi anemia complementation group J. Last evaluated: 2025-12-09. Review status: criteria provided, single submitter. Criteria: Invitae Variant Classification Sherloc (09022015). Collection method: clinical testing. Allele origin: germline.
Comment: This sequence change replaces asparagine, which is neutral and polar, with serine, which is neutral and polar, at codon 109 of the BRIP1 protein (p.Asn109Ser). This variant is present in population databases (rs587782734, gnomAD 0.002%). This variant has not been reported in the literature in individuals affected with BRIP1-related conditions. ClinVar contains an entry for this variant (Variation ID: 142809). Invitae Evidence Modeling of protein sequence and biophysical properties (such as structural, functional, and spatial information, amino acid conservation, physicochemical variation, residue mobility, and thermodynamic stability) indicates that this missense variant is not expected to disrupt BRIP1 protein function with a negative predictive value of 95%. RNA analysis performed to evaluate the impact of this missense change on mRNA splicing indicates it does not significantly alter splicing (internal data). In summary, the available evidence is currently insufficient to determine the role of this variant in disease. Therefore, it has been classified as a Variant of Uncertain Significance.

Women's Health and Genetics/Laboratory Corporation of America, LabCorp
Classification: Uncertain significance. Last evaluated: 2025-12-01. Review status: criteria provided, single submitter. Criteria: LabCorp Variant Classification Summary - May 2015. Collection method: clinical testing. Allele origin: germline.
Comment: Variant summary: BRIP1 c.326A>G (p.Asn109Ser) results in a conservative amino acid change in the encoded protein sequence. Algorithms developed to predict the effect of missense changes on protein structure and function all suggest that this variant is likely to be tolerated. The variant allele was found at a frequency of 4e-06 in 251452 control chromosomes (gnomAD). The available data on variant occurrences in the general population are insufficient to allow any conclusion about variant significance. c.326A>G has been observed in an individual affected with breast cancer (Tung_2015). This report does not provide unequivocal conclusions about association of the variant with Fanconi anemia complementation group J. To our knowledge, no experimental evidence demonstrating an impact on protein function has been reported. The following publication has been ascertained in the context of this evaluation (PMID: 25186627). ClinVar contains an entry for this variant (Variation ID: 142809). Based on the evidence outlined above, the variant was classified as uncertain significance.

Color Diagnostics, LLC DBA Color Health
Classification: Uncertain significance for Hereditary cancer-predisposing syndrome. Last evaluated: 2025-05-07. Review status: criteria provided, single submitter. Criteria: ACMG Guidelines, 2015. Collection method: clinical testing. Allele origin: germline.
Comment: This missense variant replaces asparagine with serine at codon 109 of the BRIP1 protein. Computational prediction suggests that this variant may not impact protein structure and function. To our knowledge, functional studies have not been reported for this variant. This variant has been reported in an individual affected with breast cancer (PMID: 25186627). This variant has been identified in 2/282858 chromosomes in the general population by the Genome Aggregation Database (gnomAD). The available evidence is insufficient to determine the role of this variant in disease conclusively. Therefore, this variant is classified as a Variant of Uncertain Significance.

Center for Genomic Medicine, Rigshospitalet, Copenhagen University Hospital
Classification: Uncertain significance. Last evaluated: 2025-03-04. Review status: criteria provided, single submitter. Criteria: ACMG Guidelines, 2015. Collection method: clinical testing. Allele origin: germline.

Quest Diagnostics Nichols Institute San Juan Capistrano
Classification: Uncertain significance. Last evaluated: 2024-09-24. Review status: criteria provided, single submitter. Criteria: Quest Diagnostics criteria. Collection method: clinical testing. Allele origin: unknown.
Comment: The BRIP1 c.326A>G (p.Asn109Ser) variant has been reported in the published literature in an individual with breast cancer (PMID: 25186627 (2015)) as well as in reportedly healthy individuals (PMID: 33471991 (2021) see also LOVD). The frequency of this variant in the general population, 0.0000071 (2/282858 chromosomes (Genome Aggregation Database)), is uninformative in the assessment of its pathogenicity. Analysis of this variant using bioinformatics tools for the prediction of the effect of amino acid changes on protein structure and function yielded predictions that this variant is benign. Based on the available information, we are unable to determine the clinical significance of this variant.

GeneDx
Classification: Uncertain significance. Last evaluated: 2023-10-09. Review status: criteria provided, single submitter. Criteria: GeneDx Variant Classification Process June 2021. Collection method: clinical testing. Allele origin: germline. Affected: yes.
Comment: Not observed at significant frequency in large population cohorts (gnomAD); In silico analysis supports that this missense variant does not alter protein structure/function; Observed in an individual with breast cancer and in an individual with colorectal cancer (Tung et al., 2015; Duzkale et al., 2021); This variant is associated with the following publications: (PMID: 24292195, Duzkale2020[Article], 25186627, 34271781)

KCCC/NGS Laboratory, Kuwait Cancer Control Center
Classification: Uncertain significance for Familial cancer of breast. Last evaluated: 2023-07-07. Review status: criteria provided, single submitter. Criteria: ACMG Guidelines, 2015. Collection method: clinical testing. Allele origin: unknown. Affected: yes.
Comment: This sequence change replaces asparagine with serine at codon 109 of the BRIP1 protein (p.Asn109Ser). This variant is present in population databases (rs587782734, ExAC 0.001%). This variant has not been observed in an individual affected with breast cancer (PMID: 25186627). ClinVar contains an entry for this variant (Variation ID: 142809) with 6 submissions all of which describe it as of uncertain significance, 2 stars, no conflicts. In-silico predictions show benign computational verdict based on 12 benign predictions from BayesDel_addAF, DANN, DEOGEN2, EIGEN, FATHMM-MKL, LIST-S2, M-CAP, MVP, MutationAssessor, MutationTaster, PrimateAI and SIFT vs no pathogenic predictions and the position is not strongly conserved. There are no published functional studies concerning this variant as fa as we know. Therefore, it has been classified as a Variant of Uncertain Significance.

MGZ Medical Genetics Center
Classification: Uncertain significance for Familial cancer of breast. Last evaluated: 2022-02-21. Review status: criteria provided, single submitter. Criteria: ACMG Guidelines, 2015. Collection method: clinical testing. Allele origin: germline. Affected: yes. Observed: 2 variant alleles.
Comment: ACMG criteria applied: PM2_SUP, BP4

Ambry Genetics
Classification: Likely benign for Hereditary cancer-predisposing syndrome. Last evaluated: 2021-03-15. Review status: criteria provided, single submitter. Criteria: Ambry Variant Classification Scheme 2023. Collection method: clinical testing. Allele origin: germline.

Mendelics
Classification: Uncertain significance for Familial cancer of breast. Last evaluated: 2019-05-28. Review status: criteria provided, single submitter. Criteria: Mendelics Assertion Criteria 2017. Collection method: clinical testing. Allele origin: unknown.

Literature cited by the submitters: PubMed 25186627 (cited by 4 submitters); PubMed 33471991 (cited by Quest Diagnostics Nichols Institute San Juan Capistrano).

NM_032043.3(BRIP1):c.326A>G (p.Asn109Ser)

Gene: BRIP1 (BRCA1 interacting DNA helicase 1; minus strand). Cytogenetic location: 17q23.2.
Variant type: single nucleotide variant.
Coding change: c.326A>G on transcript NM_032043.3 (MANE Select); coding-DNA position 326, A replaced by G.
Protein change: p.Asn109Ser; replaces asparagine 109 with serine.
Molecular consequence: missense variant.
Genome position (GRCh38, 1-based): chr17:61,857,111, T>C on the plus strand (A>G on the coding strand, the complement: BRIP1 is on the minus strand). VCF-style: chr17-61857111-T-C. GRCh37 (hg19) VCF-style: chr17-59934472-T-C.
Other names: short protein forms N109S.
Identifiers: ClinVar variation 142809 (VCV000142809.38), dbSNP rs587782734, ClinGen allele CA169463.